The following is an entry in ClinVar:

NM_138387.4(G6PC3):c.64C>G (p.Leu22Val)

Genes: G6PC3 (glucose-6-phosphatase catalytic subunit 3; plus strand), LOC130060959 (ATAC-STARR-seq lymphoblastoid active region 12250; plus strand). Cytogenetic location: 17q21.31.
Variant type: single nucleotide variant.
Coding change: c.64C>G on transcript NM_138387.4 (MANE Select); coding-DNA position 64, C replaced by G.
Protein change: p.Leu22Val; replaces leucine 22 with valine.
Molecular consequence: missense variant. On other transcripts: 5 prime UTR variant (3), intron variant (1).
Genome position (GRCh38, 1-based): chr17:44,071,029, C>G. VCF-style: chr17-44071029-C-G. GRCh37 (hg19) VCF-style: chr17-42148397-C-G.
Other names: c.64C>G, p.Leu22Val (NM_001319945.2); c.-341C>G (NM_001384165.1); c.-476C>G (NM_001384166.1); c.-466C>G (NM_001384167.1); c.-312+315C>G (NM_001384168.1); short protein forms L22V.
Identifiers: ClinVar variation 4261013 (VCV004261013.1).

ClinVar aggregate classification (germline): Uncertain significance (1 of 4 stars; one submission).

Conditions:
Inborn genetic diseases. Identifiers: MedGen C0950123, MeSH D030342.

Submission:

Ambry Genetics
Classification: Uncertain significance for Inborn genetic diseases. Last evaluated: 2025-09-10. Review status: criteria provided, single submitter. Criteria: Ambry Variant Classification Scheme 2023. Collection method: clinical testing. Allele origin: germline.
Comment: The p.L22V variant (also known as c.64C>G), located in coding exon 1 of the G6PC3 gene, results from a C to G substitution at nucleotide position 64. The leucine at codon 22 is replaced by valine, an amino acid with highly similar properties. This amino acid position is conserved. In addition, this alteration is predicted to be tolerated by in silico analysis. Based on the available evidence, the clinical significance of this variant remains unclear.